The following is an entry in ClinVar:

NM_031157.4(HNRNPA1):c.987G>T (p.Lys329Asn)

Gene: HNRNPA1 (heterogeneous nuclear ribonucleoprotein A1; plus strand). Cytogenetic location: 12q13.13.
Variant type: single nucleotide variant.
Coding change: c.987G>T on transcript NM_031157.4 (MANE Select); coding-DNA position 987, G replaced by T.
Protein change: p.Lys329Asn; replaces lysine 329 with asparagine.
Molecular consequence: missense variant. On other transcripts: non-coding transcript variant (1).
Genome position (GRCh38, 1-based): chr12:54,283,891, G>T. VCF-style: chr12-54283891-G-T. GRCh37 (hg19) VCF-style: chr12-54677675-G-T.
Other names: c.831G>T, p.Lys277Asn (NM_002136.4); short protein forms K329N, K277N.
Identifiers: ClinVar variation 135598 (VCV000135598.2), dbSNP rs483353030, ClinGen allele CA163053.
Genomic context (GRCh38, chr12:54,283,891, plus strand): 5'-TGGAAGCTACAATGATTTTGGGAATTACAACAATCAGTCTTCAAATTTTGGACCCATGAA[G>T]GGAGGAAATTTTGGAGGCAGAAGCTCTGGCCCCTATGGCGGTGGAGGCCAATACTTTGCA-3'
Protein context (NP_112420.1, residues 319-339): NNQSSNFGPM[Lys329Asn]GGNFGGRSSG

ClinVar aggregate classification (germline): Likely pathogenic (0 of 4 stars; one submission).

Conditions:
Chronic progressive multiple sclerosis. Identifiers: MedGen C0393665, MONDO:0005284.

Submission:

Demyelinating Disease Laboratories, VA Medical Center and University of Tennessee
Classification: Likely pathogenic. Review status: no assertion criteria provided. Collection method: not provided. Allele origin: somatic.
ClinVar note: Converted during submission from probable-pathogenic to Likely pathogenic.